The following is an entry in ClinVar:

ClinVar aggregate classification (germline): Uncertain significance. Review status: criteria provided, multiple submitters, no conflicts (2 of 4 stars). 2 submissions from 2 submitters: Uncertain significance (2). Last evaluated 2026-08-06.

Conditions:
CFAP418-related disorder. Also called: CFAP418-related condition.

Allele frequency attached by ClinVar (database versions not stated): TOPMed below 0.00001.

Submissions (2):

PreventionGenetics, part of Exact Sciences
Classification: Uncertain significance for CFAP418-related condition. Last evaluated: 2026-08-06. Review status: criteria provided, single submitter. Criteria: ACMG Guidelines, 2015. Collection method: clinical testing. Allele origin: germline.
Comment: The CFAP418 c.492C>G variant is predicted to result in the amino acid substitution p.His164Gln. To our knowledge, this variant has not been reported in the literature or in a large population database (gnomAD), indicating this variant is rare. At this time, the clinical significance of this variant is uncertain due to the absence of conclusive functional and genetic evidence.

Labcorp Genetics (formerly Invitae), Labcorp
Classification: Uncertain significance. Last evaluated: 2022-05-27. Review status: criteria provided, single submitter. Criteria: Invitae Variant Classification Sherloc (09022015). Collection method: clinical testing. Allele origin: germline.
Comment: This sequence change replaces histidine, which is basic and polar, with glutamine, which is neutral and polar, at codon 164 of the C8orf37 protein (p.His164Gln). This variant is not present in population databases (gnomAD no frequency). This variant has not been reported in the literature in individuals affected with C8orf37-related conditions. Algorithms developed to predict the effect of missense changes on protein structure and function output the following: SIFT: "Tolerated"; PolyPhen-2: "Benign"; Align-GVGD: "Class C0". The glutamine amino acid residue is found in multiple mammalian species, which suggests that this missense change does not adversely affect protein function. In summary, the available evidence is currently insufficient to determine the role of this variant in disease. Therefore, it has been classified as a Variant of Uncertain Significance.

NM_177965.4(CFAP418):c.492C>G (p.His164Gln)

Gene: CFAP418 (cilia and flagella associated protein 418; minus strand). Cytogenetic location: 8q22.1.
Variant type: single nucleotide variant.
Coding change: c.492C>G on transcript NM_177965.4 (MANE Select); coding-DNA position 492, C replaced by G.
Protein change: p.His164Gln; replaces histidine 164 with glutamine.
Molecular consequence: missense variant.
Genome position (GRCh38, 1-based): chr8:95,247,749, G>C on the plus strand (C>G on the coding strand, the complement: CFAP418 is on the minus strand). VCF-style: chr8-95247749-G-C. GRCh37 (hg19) VCF-style: chr8-96259977-G-C.
Other names: c.492C>G (NM_177965.3); c.396C>G, p.His132Gln (NM_001363260.1); short protein forms H132Q, H164Q.
Identifiers: ClinVar variation 1999323 (VCV001999323.2), dbSNP rs1336276333, ClinGen allele CA371838354.